The following is an entry in ClinVar:

NM_001190274.2(FBXO11):c.1429A>T (p.Asn477Tyr)

Gene: FBXO11 (F-box protein 11; minus strand). Cytogenetic location: 2p16.3.
Variant type: single nucleotide variant.
Coding change: c.1429A>T on transcript NM_001190274.2 (MANE Select); coding-DNA position 1429, A replaced by T.
Protein change: p.Asn477Tyr; replaces asparagine 477 with tyrosine.
Molecular consequence: missense variant.
Genome position (GRCh38, 1-based): chr2:47,823,330, T>A on the plus strand (A>T on the coding strand, the complement: FBXO11 is on the minus strand). VCF-style: chr2-47823330-T-A. GRCh37 (hg19) VCF-style: chr2-48050469-T-A.
Other names: c.1177A>T, p.Asn393Tyr (NM_001374325.1, NM_025133.4); short protein forms N393Y, N477Y.
Identifiers: ClinVar variation 3093586 (VCV003093586.1), dbSNP rs2531101705, ClinGen allele CA346765071.

ClinVar aggregate classification (germline): Likely pathogenic (1 of 4 stars; one submission).

Conditions:
Inborn genetic diseases. Identifiers: MedGen C0950123, MeSH D030342.

Submission:

Ambry Genetics
Classification: Likely pathogenic for Inborn genetic diseases. Last evaluated: 2023-09-18. Review status: criteria provided, single submitter. Criteria: Ambry Variant Classification Scheme 2023. Collection method: clinical testing. Allele origin: germline.
Comment: The c.1429A>T (p.N477Y) alteration is located in exon 12 (coding exon 12) of the FBXO11 gene. This alteration results from an A to T substitution at nucleotide position 1429, causing the asparagine (N) at amino acid position 477 to be replaced by a tyrosine (Y). This variant was not reported in population-based cohorts in the Genome Aggregation Database (gnomAD). This amino acid position is highly conserved in available vertebrate species. This missense alteration is located in a region that has a low rate of benign missense variation (Lek, 2016; Firth, 2009). This alteration is predicted to be deleterious by in silico analysis. Based on the available evidence, this alteration is classified as likely pathogenic.